The following is an entry in ClinVar:

NM_021098.3(CACNA1H):c.4853A>C (p.Tyr1618Ser)

Gene: CACNA1H (calcium voltage-gated channel subunit alpha1 H; plus strand). Cytogenetic location: 16p13.3.
Variant type: single nucleotide variant.
Coding change: c.4853A>C on transcript NM_021098.3 (MANE Select); coding-DNA position 4853, A replaced by C.
Protein change: p.Tyr1618Ser; replaces tyrosine 1618 with serine.
Molecular consequence: missense variant.
Genome position (GRCh38, 1-based): chr16:1,213,855, A>C. VCF-style: chr16-1213855-A-C. GRCh37 (hg19) VCF-style: chr16-1263855-A-C.
Other names: c.4835A>C, p.Tyr1612Ser (NM_001005407.2); short protein forms Y1618S, Y1612S.
Identifiers: ClinVar variation 529586 (VCV000529586.9), dbSNP rs769175169, ClinGen allele CA7801644.
Genomic context (GRCh38, chr16:1,213,855, plus strand): 5'-CCTACTATGCCGACTACTCGCCCACGCGCCGCTCCATTCACTCGCTGTGCACCAGCCACT[A>C]TCTCGACCTCTTCATCACCTTCATCATCTGTGTCAACGTCATCACCATGTCCATGGAGCA-3'
Protein context (NP_066921.2, residues 1608-1628): RSIHSLCTSH[Tyr1618Ser]LDLFITFIIC

ClinVar aggregate classification (germline): Uncertain significance. Review status: criteria provided, multiple submitters, no conflicts (2 of 4 stars). 3 submissions from 3 submitters: Uncertain significance (3). Last evaluated 2025-10-03.

Conditions:
Idiopathic generalized epilepsy. Also called: Generalised epilepsy; EIG. Identifiers: MedGen C0270850, MONDO:0005579, OMIM 600669.
Hyperaldosteronism, familial, type IV (HALD4). Also called: FH IV; ALDOSTERONISM, PRIMARY, AND HYPERTENSION. Identifiers: Orphanet 642671, MedGen C4310756, MONDO:0014875, OMIM 617027.
Epilepsy, childhood absence, susceptibility to, 6. Identifiers: Orphanet 64280, MedGen C2749872, MONDO:0012763, OMIM 611942.

Allele frequency attached by ClinVar (database versions not stated): gnomAD 0.00002 and 0.00004; ExAC 0.00003; TOPMed 0.00006; gnomAD exomes 0.00008.
gnomAD v4.1: 66 of 1,608,966 alleles (0.0041%); highest among the groups gnomAD compares: Middle Eastern, 0.033%; no homozygotes.

Submissions (3):

Labcorp Genetics (formerly Invitae), Labcorp
Classification: Uncertain significance for Idiopathic generalized epilepsy; Hyperaldosteronism, familial, type IV. Last evaluated: 2025-10-03. Review status: criteria provided, single submitter. Criteria: Invitae Variant Classification Sherloc (09022015). Collection method: clinical testing. Allele origin: germline.
Comment: This sequence change replaces tyrosine, which is neutral and polar, with serine, which is neutral and polar, at codon 1618 of the CACNA1H protein (p.Tyr1618Ser). This variant is present in population databases (rs769175169, gnomAD 0.04%), and has an allele count higher than expected for a pathogenic variant. This variant has not been reported in the literature in individuals affected with CACNA1H-related conditions. ClinVar contains an entry for this variant (Variation ID: 529586). Invitae Evidence Modeling of protein sequence and biophysical properties (such as structural, functional, and spatial information, amino acid conservation, physicochemical variation, residue mobility, and thermodynamic stability) indicates that this missense variant is expected to disrupt CACNA1H protein function with a positive predictive value of 80%. In summary, the available evidence is currently insufficient to determine the role of this variant in disease. Therefore, it has been classified as a Variant of Uncertain Significance.

Fulgent Genetics
Classification: Uncertain significance for Epilepsy, childhood absence, susceptibility to, 6; Hyperaldosteronism, familial, type IV. Last evaluated: 2024-04-26. Review status: criteria provided, single submitter. Criteria: ACMG Guidelines, 2015. Collection method: clinical testing. Allele origin: germline.

Blueprint Genetics
Classification: Uncertain significance. Last evaluated: 2022-10-13. Review status: criteria provided, single submitter. Criteria: ACMG Guidelines, 2015. Collection method: clinical testing. Allele origin: germline.